The following is an entry in ClinVar:

NM_000155.4(GALT):c.959C>T (p.Ala320Val)

Gene: GALT (galactose-1-phosphate uridylyltransferase; plus strand). Cytogenetic location: 9p13.3.
Variant type: single nucleotide variant.
Coding change: c.959C>T on transcript NM_000155.4 (MANE Select); coding-DNA position 959, C replaced by T.
Protein change: p.Ala320Val; replaces alanine 320 with valine.
Molecular consequence: missense variant.
Genome position (GRCh38, 1-based): chr9:34,649,464, C>T. VCF-style: chr9-34649464-C-T. GRCh37 (hg19) VCF-style: chr9-34649461-C-T.
Other names: c.632C>T, p.Ala211Val (NM_001258332.2); short protein forms A320V, A211V.
Identifiers: ClinVar variation 4753266 (VCV004753266.1), dbSNP rs367543272.

ClinVar aggregate classification (germline): Pathogenic (1 of 4 stars; one submission).

Conditions:
Deficiency of UDPglucose-hexose-1-phosphate uridylyltransferase. Also called: GALT deficiency; Galactosemia, classic; GALACTOSE-1-PHOSPHATE URIDYLYLTRANSFERASE DEFICIENCY; GALACTOSEMIA I; Transferase Deficiency Galactosemia. Identifiers: Orphanet 352, Orphanet 79239, MedGen C0268151, MONDO:0009258, OMIM 230400.

Submission:

Labcorp Genetics (formerly Invitae), Labcorp
Classification: Pathogenic for Deficiency of UDPglucose-hexose-1-phosphate uridylyltransferase. Last evaluated: 2025-12-08. Review status: criteria provided, single submitter. Criteria: Invitae Variant Classification Sherloc (09022015). Collection method: clinical testing. Allele origin: germline.
Comment: This sequence change replaces alanine, which is neutral and non-polar, with valine, which is neutral and non-polar, at codon 320 of the GALT protein (p.Ala320Val). This variant is not present in population databases (gnomAD no frequency). This missense change has been observed in individual(s) with classic galactosemia (PMID: 30172461). Invitae Evidence Modeling of protein sequence and biophysical properties (such as structural, functional, and spatial information, amino acid conservation, physicochemical variation, residue mobility, and thermodynamic stability) indicates that this missense variant is expected to disrupt GALT protein function with a positive predictive value of 95%. Experimental studies have shown that this missense change affects GALT function (PMID: 30172461). This variant disrupts the p.Ala320 amino acid residue in GALT. Other variant(s) that disrupt this residue have been determined to be pathogenic (PMID: 10220154, 10399107, 11397328, 16765930, 17876724, 25268296). This suggests that this residue is clinically significant, and that variants that disrupt this residue are likely to be disease-causing. For these reasons, this variant has been classified as Pathogenic.

Literature cited by the submitters: PubMed 30172461; PubMed 10220154; PubMed 10399107; PubMed 11397328; PubMed 16765930; PubMed 17876724; PubMed 25268296.